The following is an entry in ClinVar:

NM_000383.4(AIRE):c.1344C>G (p.His448Gln)

Gene: AIRE (autoimmune regulator; plus strand). Cytogenetic location: 21q22.3.
Variant type: single nucleotide variant.
Coding change: c.1344C>G on transcript NM_000383.4 (MANE Select); coding-DNA position 1344, C replaced by G.
Protein change: p.His448Gln; replaces histidine 448 with glutamine.
Molecular consequence: missense variant.
Genome position (GRCh38, 1-based): chr21:44,293,854, C>G. VCF-style: chr21-44293854-C-G. GRCh37 (hg19) VCF-style: chr21-45713737-C-G.
Other names: short protein forms H448Q.
Identifiers: ClinVar variation 851512 (VCV000851512.9), dbSNP rs201131119, ClinGen allele CA410425727.

ClinVar aggregate classification (germline): Uncertain significance (1 of 4 stars; one submission).

Conditions:
Polyglandular autoimmune syndrome, type 1 (APS1). Also called: AUTOIMMUNE POLYENDOCRINE SYNDROME, TYPE I, WITH OR WITHOUT REVERSIBLE METAPHYSEAL DYSPLASIA; APS I; Autoimmune polyendocrine syndrome type 1; Autoimmune polyendocrinopathy syndrome, type I; Whitaker syndrome; Autoimmune polyendocrinopathy syndrome , type I, with or without reversible metaphyseal dysplasia. Identifiers: Orphanet 3453, MedGen C0085859, MONDO:0009411, OMIM 240300.

Submission:

Labcorp Genetics (formerly Invitae), Labcorp
Classification: Uncertain significance for Polyglandular autoimmune syndrome, type 1. Last evaluated: 2019-11-18. Review status: criteria provided, single submitter. Criteria: Invitae Variant Classification Sherloc (09022015). Collection method: clinical testing. Allele origin: germline.
Comment: In summary, the available evidence is currently insufficient to determine the role of this variant in disease. Therefore, it has been classified as a Variant of Uncertain Significance. Algorithms developed to predict the effect of sequence changes on RNA splicing suggest that this variant may create or strengthen a splice site, but this prediction has not been confirmed by published transcriptional studies. Algorithms developed to predict the effect of missense changes on protein structure and function output the following: SIFT: "Tolerated"; PolyPhen-2: "Benign"; Align-GVGD: "Class C0". The glutamine amino acid residue is found in multiple mammalian species, suggesting that this missense change does not adversely affect protein function. These predictions have not been confirmed by published functional studies and their clinical significance is uncertain. This variant has not been reported in the literature in individuals with AIRE-related conditions. This variant is not present in population databases (ExAC no frequency). This sequence change replaces histidine with glutamine at codon 448 of the AIRE protein (p.His448Gln). The histidine residue is moderately conserved and there is a small physicochemical difference between histidine and glutamine.